The following is an entry in ClinVar:

ClinVar aggregate classification (germline): Pathogenic. Review status: criteria provided, multiple submitters, no conflicts (2 of 4 stars). 2 submissions from 2 submitters: Pathogenic (2). Last evaluated 2020-06-29.

Conditions:
Juvenile polyposis syndrome (JPS). Identifiers: Orphanet 2929, MedGen C0345893, MONDO:0017380, OMIM 174900.

Submissions (2):

Quest Diagnostics Nichols Institute San Juan Capistrano
Classification: Pathogenic. Last evaluated: 2020-06-29. Review status: criteria provided, single submitter. Criteria: Quest Diagnostics criteria. Collection method: clinical testing. Allele origin: unknown.
Comment: The variant results in a shift of the reading frame, and is therefore predicted to result in the loss of a functional protein. Found in at least one patient with expected phenotype for this gene, and not found in general population data.

Labcorp Genetics (formerly Invitae), Labcorp
Classification: Pathogenic for Juvenile polyposis syndrome. Last evaluated: 2020-03-18. Review status: criteria provided, single submitter. Criteria: Invitae Variant Classification Sherloc (09022015). Collection method: clinical testing. Allele origin: germline.
Comment: For these reasons, this variant has been classified as Pathogenic. Loss-of-function variants in BMPR1A are known to be pathogenic (PMID: 11536076, 12417513). This variant has not been reported in the literature in individuals with BMPR1A-related conditions. This variant is not present in population databases (ExAC no frequency). This sequence change creates a premature translational stop signal (p.Arg152Hisfs*13) in the BMPR1A gene. It is expected to result in an absent or disrupted protein product.

Literature cited by the submitters: PubMed 11536076 (cited by Labcorp Genetics (formerly Invitae), Labcorp); PubMed 12417513 (cited by Labcorp Genetics (formerly Invitae), Labcorp).

NM_004329.3(BMPR1A):c.455del (p.Arg152fs)

Gene: BMPR1A (bone morphogenetic protein receptor type 1A; plus strand). Cytogenetic location: 10q23.2.
Variant type: Deletion.
Coding change: c.455del on transcript NM_004329.3 (MANE Select); coding-DNA position 455, one base deleted (G; older notation c.455delG).
Protein change: p.Arg152fs; shifts the reading frame from arginine 152.
Molecular consequence: frameshift variant.
Genome position (GRCh38, 1-based): chr10:86,900,051, G deleted. VCF-style (leftmost placement, unchanged base first): chr10-86900050-CG-C. GRCh37 (hg19) VCF-style: chr10-88659807-CG-C.
Other names: short protein forms R152fs.
Identifiers: ClinVar variation 993133 (VCV000993133.8), dbSNP rs1843286694, ClinGen allele CA1139661559.